The following is an entry in ClinVar:

NM_000136.3(FANCC):c.423A>C (p.Ala141=)

Gene: FANCC (FA complementation group C; minus strand). Cytogenetic location: 9q22.32.
Variant type: single nucleotide variant.
Coding change: c.423A>C on transcript NM_000136.3 (MANE Select); coding-DNA position 423, A replaced by C.
Protein change: p.Ala141=; no amino-acid change (alanine 141 retained).
Molecular consequence: synonymous variant.
Genome position (GRCh38, 1-based): chr9:95,172,070, T>G on the plus strand (A>C on the coding strand, the complement: FANCC is on the minus strand). VCF-style: chr9-95172070-T-G. GRCh37 (hg19) VCF-style: chr9-97934352-T-G.
Other names: c.423A>C, p.Ala141= (NM_001243743.2, NM_001243744.2).
Identifiers: ClinVar variation 1738959 (VCV001738959.13), dbSNP rs2541949262, ClinGen allele CA466275100.

ClinVar aggregate classification (germline): Likely benign. Review status: criteria provided, multiple submitters, no conflicts (2 of 4 stars). 3 submissions from 3 submitters: Likely benign (3). Last evaluated 2025-07-01.

Conditions:
Hereditary cancer-predisposing syndrome. Also called: Hereditary neoplastic syndrome; Tumor predisposition; Neoplastic Syndromes, Hereditary; Hereditary Cancer Syndrome. Identifiers: Orphanet 140162, MedGen C0027672, MeSH D009386, MONDO:0015356.
Fanconi anemia (FA). Also called: Fanconi's anemia. Identifiers: Orphanet 84, MedGen C0015625, MeSH D005199, MONDO:0019391.

Allele frequency attached by ClinVar (database versions not stated): gnomAD exomes below 0.00001.
gnomAD v4.1: 1 of 1,612,516 alleles (0.000062%); highest among the groups gnomAD compares: Non-Finnish European, 0.000085%; no homozygotes.

Submissions (3):

CeGaT Center for Human Genetics Tuebingen
Classification: Likely benign. Last evaluated: 2025-07-01. Review status: criteria provided, single submitter. Criteria: CeGaT Center For Human Genetics Tuebingen Variant Classification Criteria Version 2. Collection method: clinical testing. Allele origin: germline. Affected: yes. Observed: 1 variant allele.
Comment: FANCC: BP4, BP7

Labcorp Genetics (formerly Invitae), Labcorp
Classification: Likely benign for Fanconi anemia. Last evaluated: 2023-10-12. Review status: criteria provided, single submitter. Criteria: Invitae Variant Classification Sherloc (09022015). Collection method: clinical testing. Allele origin: germline.

Ambry Genetics
Classification: Likely benign for Hereditary cancer-predisposing syndrome. Last evaluated: 2020-09-27. Review status: criteria provided, single submitter. Criteria: Ambry Variant Classification Scheme 2023. Collection method: clinical testing. Allele origin: germline.